The following is an entry in ClinVar:

ClinVar aggregate classification (germline): Likely pathogenic (1 of 4 stars; one submission).

Conditions:
Inborn genetic diseases. Identifiers: MedGen C0950123, MeSH D030342.

Submission:

Ambry Genetics
Classification: Likely pathogenic for Inborn genetic diseases. Last evaluated: 2023-03-27. Review status: criteria provided, single submitter. Criteria: Ambry Variant Classification Scheme 2023. Collection method: clinical testing. Allele origin: germline.
Comment: The c.451G>A (p.D151N) alteration is located in exon 7 (coding exon 6) of the TAOK1 gene. This alteration results from a G to A substitution at nucleotide position 451, causing the aspartic acid (D) at amino acid position 151 to be replaced by an asparagine (N). This variant was not reported in population-based cohorts in the Genome Aggregation Database (gnomAD). This amino acid position is highly conserved in available vertebrate species. Based on internal structural analysis, D151N disrupts an ion-coordinating site in the kinase active site (Zhou, 2006; Hanks, 1995; Modi, 2019). The in silico prediction for this alteration is inconclusive. Based on the available evidence, this alteration is classified as likely pathogenic.

Literature cited by the submitters: PubMed 7768349; PubMed 16761096; PubMed 31875044.

NM_020791.4(TAOK1):c.451G>A (p.Asp151Asn)

Gene: TAOK1 (TAO kinase 1; plus strand). Cytogenetic location: 17q11.2.
Variant type: single nucleotide variant.
Coding change: c.451G>A on transcript NM_020791.4 (MANE Select); coding-DNA position 451, G replaced by A.
Protein change: p.Asp151Asn; replaces aspartic acid 151 with asparagine.
Molecular consequence: missense variant.
Genome position (GRCh38, 1-based): chr17:29,480,369, G>A. VCF-style: chr17-29480369-G-A. GRCh37 (hg19) VCF-style: chr17-27807387-G-A.
Other names: c.451G>A, p.Asp151Asn (NM_025142.1); short protein forms D151N.
Identifiers: ClinVar variation 2492953 (VCV002492953.3), dbSNP rs2508205699, ClinGen allele CA399189861.